The following is an entry in ClinVar:

NM_004385.5(VCAN):c.3046A>G (p.Ile1016Val)

Gene: VCAN (versican; plus strand). Cytogenetic location: 5q14.3.
Variant type: single nucleotide variant.
Coding change: c.3046A>G on transcript NM_004385.5 (MANE Select); coding-DNA position 3046, A replaced by G.
Protein change: p.Ile1016Val; replaces isoleucine 1016 with valine.
Molecular consequence: missense variant. On other transcripts: intron variant (2).
Genome position (GRCh38, 1-based): chr5:83,521,352, A>G. VCF-style: chr5-83521352-A-G. GRCh37 (hg19) VCF-style: chr5-82817171-A-G.
Other names: c.3046A>G, p.Ile1016Val (NM_001164098.2); c.1042+8956A>G (NM_001164097.2, NM_001126336.3); short protein forms I1016V.
Identifiers: ClinVar variation 905761 (VCV000905761.11), dbSNP rs139937202, ClinGen allele CA3332943.

ClinVar aggregate classification (germline): Uncertain significance. Review status: criteria provided, multiple submitters, no conflicts (2 of 4 stars). 3 submissions from 2 submitters: Uncertain significance (3). Last evaluated 2025-08-28.

Conditions:
Wagner disease. Also called: WAGNER VITREORETINAL DEGENERATION; WAGNER VITREORETINOPATHY; Wagner Vitreoretinal Degeneration (Wagner Synrdome); WAGNER SYNDROME 1; HYALOIDEORETINAL DEGENERATION OF WAGNER; Wagner syndrome. Identifiers: Orphanet 898, MedGen C1840452, MONDO:0007740, OMIM 143200.
Vitreoretinopathy. Also called: Vitreoretinal degeneration. Identifiers: MedGen C0344290, MONDO:0020248, HP:0007773.

Allele frequency attached by ClinVar (database versions not stated): gnomAD exomes below 0.00001; TOPMed below 0.00001; ExAC 0.00001; ESP Exome Variant Server 0.00008.
gnomAD v4.1: 5 of 1,614,104 alleles (0.00031%); highest among the groups gnomAD compares: Non-Finnish European, 0.00025%; no homozygotes.

Submissions (3):

Labcorp Genetics (formerly Invitae), Labcorp
Classification: Uncertain significance. Last evaluated: 2025-08-28. Review status: criteria provided, single submitter. Criteria: Invitae Variant Classification Sherloc (09022015). Collection method: clinical testing. Allele origin: germline.
Comment: This sequence change replaces isoleucine, which is neutral and non-polar, with valine, which is neutral and non-polar, at codon 1016 of the VCAN protein (p.Ile1016Val). This variant is present in population databases (rs139937202, gnomAD 0.007%). This variant has not been reported in the literature in individuals affected with VCAN-related conditions. ClinVar contains an entry for this variant (Variation ID: 905761). An algorithm developed to predict the effect of missense changes on protein structure and function outputs the following: PolyPhen-2: "Benign". The valine amino acid residue is found in multiple mammalian species, which suggests that this missense change does not adversely affect protein function. In summary, the available evidence is currently insufficient to determine the role of this variant in disease. Therefore, it has been classified as a Variant of Uncertain Significance.

Illumina Laboratory Services, Illumina
Classification: Uncertain significance for Wagner disease. Last evaluated: 2018-01-13. Review status: criteria provided, single submitter. Criteria: ICSL Variant Classification Criteria 13 December 2019. Collection method: clinical testing. Allele origin: germline.

Illumina Laboratory Services, Illumina
Classification: Uncertain significance for Vitreoretinopathy. Last evaluated: 2018-01-13. Review status: criteria provided, single submitter. Criteria: ICSL Variant Classification Criteria 13 December 2019. Collection method: clinical testing. Allele origin: germline.